The following is an entry in ClinVar:

NM_004793.4(LONP1):c.1005C>T (p.Gly335=)

Gene: LONP1 (lon peptidase 1, mitochondrial; minus strand). Cytogenetic location: 19p13.3.
Variant type: single nucleotide variant.
Coding change: c.1005C>T on transcript NM_004793.4 (MANE Select); coding-DNA position 1005, C replaced by T.
Protein change: p.Gly335=; no amino-acid change (glycine 335 retained).
Molecular consequence: synonymous variant. On other transcripts: non-coding transcript variant (1).
Genome position (GRCh38, 1-based): chr19:5,707,754, G>A on the plus strand (C>T on the coding strand, the complement: LONP1 is on the minus strand). VCF-style: chr19-5707754-G-A. GRCh37 (hg19) VCF-style: chr19-5707765-G-A.
Other names: c.813C>T, p.Gly271= (NM_001276479.2); c.417C>T, p.Gly139= (NM_001276480.1).
Identifiers: ClinVar variation 2888205 (VCV002888205.4), dbSNP rs140657788, ClinGen allele CA9114880.

ClinVar aggregate classification (germline): Likely benign. Review status: criteria provided, multiple submitters, no conflicts (2 of 4 stars). 2 submissions from 2 submitters: Likely benign (2). Last evaluated 2026-09-01.

Allele frequency attached by ClinVar (database versions not stated): TOPMed 0.00001; gnomAD 0.00002; gnomAD exomes 0.00002; ExAC 0.00004; 1000 Genomes Project 30x 0.00016; 1000 Genomes Project 0.00020.
gnomAD v4.1: 28 of 1,613,288 alleles (0.0017%); highest among the groups gnomAD compares: Admixed American, 0.005%; no homozygotes.

Submissions (2):

CeGaT Center for Human Genetics Tuebingen
Classification: Likely benign. Last evaluated: 2026-09-01. Review status: criteria provided, single submitter. Criteria: CeGaT Center For Human Genetics Tuebingen Variant Classification Criteria Version 2. Collection method: clinical testing. Allele origin: germline. Affected: yes. Observed: 1 variant allele.
Comment: LONP1: BP4, BP7

Labcorp Genetics (formerly Invitae), Labcorp
Classification: Likely benign. Last evaluated: 2025-11-04. Review status: criteria provided, single submitter. Criteria: Invitae Variant Classification Sherloc (09022015). Collection method: clinical testing. Allele origin: germline.